The following is an entry in ClinVar:

ClinVar aggregate classification (germline): Likely benign. Review status: criteria provided, multiple submitters, no conflicts (2 of 4 stars). 3 submissions from 3 submitters: Likely benign (2). 1 of the submissions does not count toward it. Last evaluated 2026-05-01.

Conditions:
DOCK6-related disorder. Also called: DOCK6-related condition.

Allele frequency attached by ClinVar (database versions not stated): TOPMed 0.00014; ESP Exome Variant Server 0.00016; gnomAD 0.00019.

Submissions (3):

CeGaT Center for Human Genetics Tuebingen
Classification: Likely benign. Last evaluated: 2026-05-01. Review status: criteria provided, single submitter. Criteria: CeGaT Center For Human Genetics Tuebingen Variant Classification Criteria Version 2. Collection method: clinical testing. Allele origin: germline. Affected: yes. Observed: 3 variant alleles.
Comment: DOCK6: BP4, BP7

Labcorp Genetics (formerly Invitae), Labcorp
Classification: Likely benign. Last evaluated: 2025-09-03. Review status: criteria provided, single submitter. Criteria: Invitae Variant Classification Sherloc (09022015). Collection method: clinical testing. Allele origin: germline.

PreventionGenetics, part of Exact Sciences
Classification: Likely benign for DOCK6-related condition. Last evaluated: 2023-06-29. Review status: no assertion criteria provided. Collection method: clinical testing. Allele origin: germline. Not counted in ClinVar's aggregate classification.
Comment: This variant is classified as likely benign based on ACMG/AMP sequence variant interpretation guidelines (Richards et al. 2015 PMID: 25741868, with internal and published modifications).

NM_020812.4(DOCK6):c.2373G>C (p.Pro791=)

Gene: DOCK6 (dedicator of cytokinesis 6; minus strand). Cytogenetic location: 19p13.2.
Variant type: single nucleotide variant.
Coding change: c.2373G>C on transcript NM_020812.4 (MANE Select); coding-DNA position 2373, G replaced by C.
Protein change: p.Pro791=; no amino-acid change (proline 791 retained).
Molecular consequence: synonymous variant.
Genome position (GRCh38, 1-based): chr19:11,236,365, C>G on the plus strand (G>C on the coding strand, the complement: DOCK6 is on the minus strand). VCF-style: chr19-11236365-C-G. GRCh37 (hg19) VCF-style: chr19-11347041-C-G.
Other names: c.2373G>C, p.Pro791= (NM_001367830.1).
Identifiers: ClinVar variation 741030 (VCV000741030.33), dbSNP rs373234884, ClinGen allele CA9207653.